The following is an entry in ClinVar:

ClinVar aggregate classification (germline): Benign/Likely benign. Review status: criteria provided, multiple submitters, no conflicts (2 of 4 stars). 4 submissions from 4 submitters: Benign (1); Likely benign (2). 1 of the submissions does not count toward it. Last evaluated 2026-01-05.

Conditions:
EFL1-related disorder. Also called: EFL1-related condition.

Allele frequency attached by ClinVar (database versions not stated): gnomAD exomes 0.00048; ExAC 0.00060; ESP Exome Variant Server 0.00152; gnomAD 0.00152 and 0.00163; TOPMed 0.00178; 1000 Genomes Project 0.00200; 1000 Genomes Project 30x 0.00312.
gnomAD v4.1: 534 of 1,600,524 alleles (0.033%); highest among the groups gnomAD compares: African/African-American, 0.53%; 2 homozygotes.

Submissions (4):

Labcorp Genetics (formerly Invitae), Labcorp
Classification: Benign. Last evaluated: 2026-01-05. Review status: criteria provided, single submitter. Criteria: Invitae Variant Classification Sherloc (09022015). Collection method: clinical testing. Allele origin: germline.

Blueprint Genetics
Classification: Likely benign. Last evaluated: 2024-11-25. Review status: criteria provided, single submitter. Criteria: ACMG Guidelines, 2015. Collection method: clinical testing. Allele origin: germline.

CeGaT Center for Human Genetics Tuebingen
Classification: Likely benign. Last evaluated: 2024-07-01. Review status: criteria provided, single submitter. Criteria: CeGaT Center For Human Genetics Tuebingen Variant Classification Criteria Version 2. Collection method: clinical testing. Allele origin: germline. Affected: yes. Observed: 1 variant allele.
Comment: EFL1: BP4, BP7

PreventionGenetics, part of Exact Sciences
Classification: Likely benign for EFL1-related condition. Last evaluated: 2019-05-22. Review status: no assertion criteria provided. Collection method: clinical testing. Allele origin: germline. Not counted in ClinVar's aggregate classification.
Comment: This variant is classified as likely benign based on ACMG/AMP sequence variant interpretation guidelines (Richards et al. 2015 PMID: 25741868, with internal and published modifications).

NM_024580.6(EFL1):c.1449C>T (p.Asp483=)

Gene: EFL1 (elongation factor like GTPase 1; minus strand). Cytogenetic location: 15q25.2.
Variant type: single nucleotide variant.
Coding change: c.1449C>T on transcript NM_024580.6 (MANE Select); coding-DNA position 1449, C replaced by T.
Protein change: p.Asp483=; no amino-acid change (aspartic acid 483 retained).
Molecular consequence: synonymous variant. On other transcripts: non-coding transcript variant (1).
Genome position (GRCh38, 1-based): chr15:82,219,814, G>A on the plus strand (C>T on the coding strand, the complement: EFL1 is on the minus strand). VCF-style: chr15-82219814-G-A. GRCh37 (hg19) VCF-style: chr15-82512155-G-A.
Other names: c.1449C>T (NM_024580.5); c.1296C>T, p.Asp432= (NM_001040610.3); c.660C>T, p.Asp220= (NM_001322844.2); c.1449C>T, p.Asp483= (NM_001322845.2).
Identifiers: ClinVar variation 707937 (VCV000707937.29), dbSNP rs193170502, ClinGen allele CA7697973.
Genomic context (GRCh38, chr15:82,219,814, plus strand): 5'-CTCTTGGTTGTTTTCTTCCTGGAGCACAGGTTTAGGGGTCATACTTTCCACCTGTTGCTC[G>A]TCACCTGACAGAAACAAAAAGATAATTAGTGCCAAGAATGCCCTCTTAATTCAAGAACTG-3'
Protein context (NP_078856.4, residues 473-493): TCPKGEEPRG[Asp483=]EQQVESMTPK